The following is an entry in ClinVar:

ClinVar aggregate classification (germline): Uncertain significance (1 of 4 stars; one submission).

Allele frequency attached by ClinVar (database versions not stated): gnomAD 0.00001; gnomAD exomes 0.00002; TOPMed 0.00002.
gnomAD v4.1: 34 of 1,614,122 alleles (0.0021%); highest among the groups gnomAD compares: Non-Finnish European, 0.0025%; no homozygotes.

Submission:

Labcorp Genetics (formerly Invitae), Labcorp
Classification: Uncertain significance. Last evaluated: 2022-04-20. Review status: criteria provided, single submitter. Criteria: Invitae Variant Classification Sherloc (09022015). Collection method: clinical testing. Allele origin: germline.
Comment: This sequence change replaces glycine, which is neutral and non-polar, with aspartic acid, which is acidic and polar, at codon 90 of the TREM2 protein (p.Gly90Asp). This variant is present in population databases (no rsID available, gnomAD 0.006%). This variant has not been reported in the literature in individuals affected with TREM2-related conditions. Algorithms developed to predict the effect of missense changes on protein structure and function are either unavailable or do not agree on the potential impact of this missense change (SIFT: "Tolerated"; PolyPhen-2: "Probably Damaging"; Align-GVGD: "Class C0"). In summary, the available evidence is currently insufficient to determine the role of this variant in disease. Therefore, it has been classified as a Variant of Uncertain Significance.

NM_018965.4(TREM2):c.269G>A (p.Gly90Asp)

Gene: TREM2 (triggering receptor expressed on myeloid cells 2; minus strand). Cytogenetic location: 6p21.1.
Variant type: single nucleotide variant.
Coding change: c.269G>A on transcript NM_018965.4 (MANE Select); coding-DNA position 269, G replaced by A.
Protein change: p.Gly90Asp; replaces glycine 90 with aspartic acid.
Molecular consequence: missense variant.
Genome position (GRCh38, 1-based): chr6:41,161,385, C>T on the plus strand (G>A on the coding strand, the complement: TREM2 is on the minus strand). VCF-style: chr6-41161385-C-T. GRCh37 (hg19) VCF-style: chr6-41129123-C-T.
Other names: c.269G>A, p.Gly90Asp (NM_001271821.2); short protein forms G90D.
Identifiers: ClinVar variation 1984734 (VCV001984734.1), dbSNP rs1271841898, ClinGen allele CA364058893.